The following is an entry in ClinVar:

NM_000426.4(LAMA2):c.8115del (p.Asp2706fs)

Gene: LAMA2 (laminin subunit alpha 2; plus strand). Cytogenetic location: 6q22.33.
Variant type: Deletion.
Coding change: c.8115del on transcript NM_000426.4 (MANE Select); coding-DNA position 8115, one base deleted (T; older notation c.8115delT).
Protein change: p.Asp2706fs; shifts the reading frame from aspartic acid 2706.
Molecular consequence: frameshift variant.
Genome position (GRCh38, 1-based): chr6:129,492,354, T deleted. VCF-style (leftmost placement, unchanged base first): chr6-129492353-CT-C. GRCh37 (hg19) VCF-style: chr6-129813498-CT-C.
Other names: c.8103del, p.Asp2702fs (NM_001079823.2); short protein forms D2702fs, D2706fs.
Identifiers: ClinVar variation 2136467 (VCV002136467.4), dbSNP rs2533505974, ClinGen allele CA2578737997.
Genomic context (GRCh38, chr6:129,492,353, plus strand): 5'-CTTATTTATTACATTCTATTAGCCCCATGGACTTTGCAAGGCCTGTGTCCTTCAAAAATG[CT>C]GACATTGGTCGCTGTGCCCATCAGAAACTCCGTGAAGATGAAGATGGAGCAGCTCCAGCT-3'

ClinVar aggregate classification (germline): Pathogenic (1 of 4 stars; one submission).

Conditions:
LAMA2-related muscular dystrophy (LAMA2-RD). Also called: Laminin alpha 2-related dystrophy. Identifiers: MedGen C5679788, MONDO:0100228.

Allele frequency attached by ClinVar (database versions not stated): gnomAD exomes below 0.00001.

Submission:

Labcorp Genetics (formerly Invitae), Labcorp
Classification: Pathogenic for LAMA2-related muscular dystrophy. Last evaluated: 2025-05-13. Review status: criteria provided, single submitter. Criteria: Invitae Variant Classification Sherloc (09022015). Collection method: clinical testing. Allele origin: germline.
Comment: This sequence change creates a premature translational stop signal (p.Asp2706Thrfs*22) in the LAMA2 gene. It is expected to result in an absent or disrupted protein product. Loss-of-function variants in LAMA2 are known to be pathogenic (PMID: 18700894, 32904964). This variant is not present in population databases (gnomAD no frequency). This premature translational stop signal has been observed in individual(s) with congenital muscular dystrophy (PMID: 28688748). ClinVar contains an entry for this variant (Variation ID: 2136467). For these reasons, this variant has been classified as Pathogenic.

Literature cited by the submitters: PubMed 18700894; PubMed 32904964; PubMed 28688748.